The following is an entry in ClinVar:

ClinVar aggregate classification (germline): Conflicting classifications of pathogenicity. Review status: criteria provided, conflicting classifications (1 of 4 stars). 2 submissions from 2 submitters: Uncertain significance (1); Likely benign (1). Last evaluated 2026-01-18.

Allele frequency attached by ClinVar (database versions not stated): TOPMed 0.00003; ESP Exome Variant Server 0.00008; ExAC 0.00003; gnomAD 0.00003.
gnomAD v4.1: 34 of 1,613,862 alleles (0.0021%); highest among the groups gnomAD compares: South Asian, 0.0055%; no homozygotes.

Submissions (2):

Labcorp Genetics (formerly Invitae), Labcorp
Classification: Uncertain significance. Last evaluated: 2026-01-18. Review status: criteria provided, single submitter. Criteria: Invitae Variant Classification Sherloc (09022015). Collection method: clinical testing. Allele origin: germline.
Comment: This sequence change replaces arginine, which is basic and polar, with glutamine, which is neutral and polar, at codon 48 of the NDUFB10 protein (p.Arg48Gln). This variant is present in population databases (rs372530663, gnomAD 0.01%). This variant has not been reported in the literature in individuals affected with NDUFB10-related conditions. ClinVar contains an entry for this variant (Variation ID: 2325189). An algorithm developed to predict the effect of missense changes on protein structure and function outputs the following: PolyPhen-2: "Possibly Damaging". The glutamine amino acid residue is found in multiple mammalian species, which suggests that this missense change does not adversely affect protein function. In summary, the available evidence is currently insufficient to determine the role of this variant in disease. Therefore, it has been classified as a Variant of Uncertain Significance.

Ambry Genetics
Classification: Likely benign. Last evaluated: 2021-08-09. Review status: criteria provided, single submitter. Criteria: Ambry Variant Classification Scheme 2023. Collection method: clinical testing. Allele origin: germline.

NM_004548.3(NDUFB10):c.143G>A (p.Arg48Gln)

Gene: NDUFB10 (NADH:ubiquinone oxidoreductase subunit B10; plus strand). Cytogenetic location: 16p13.3.
Variant type: single nucleotide variant.
Coding change: c.143G>A on transcript NM_004548.3 (MANE Select); coding-DNA position 143, G replaced by A.
Protein change: p.Arg48Gln; replaces arginine 48 with glutamine.
Molecular consequence: missense variant.
Genome position (GRCh38, 1-based): chr16:1,961,165, G>A. VCF-style: chr16-1961165-G-A. GRCh37 (hg19) VCF-style: chr16-2011166-G-A.
Other names: short protein forms R48Q.
Identifiers: ClinVar variation 2325189 (VCV002325189.3), dbSNP rs372530663, ClinGen allele CA7823257.
Genomic context (GRCh38, chr16:1,961,165, plus strand): 5'-CCTGTCCAAACCGATGAGGCATTTGAGTCTGTGGCTTTGTCTTTGCAGAATTTATAGAGC[G>A]GCAGCACGCAAAGAACAGGTATTACTACTACCACCGGCAGTACCGCCGCGTGCCAGACAT-3'
Protein context (NP_004539.1, residues 38-58): PVTLVREFIE[Arg48Gln]QHAKNRYYYY